The following is an entry in ClinVar:

ClinVar aggregate classification (germline): Uncertain significance (1 of 4 stars; one submission).

Conditions:
Charcot-Marie-Tooth Neuropathy X. Identifiers: MedGen CN118851.

Submission:

Labcorp Genetics (formerly Invitae), Labcorp
Classification: Uncertain significance for Charcot-Marie-Tooth Neuropathy X. Last evaluated: 2022-06-14. Review status: criteria provided, single submitter. Criteria: Invitae Variant Classification Sherloc (09022015). Collection method: clinical testing. Allele origin: germline.
Comment: In summary, the available evidence is currently insufficient to determine the role of this variant in disease. Therefore, it has been classified as a Variant of Uncertain Significance. Experimental studies and prediction algorithms are not available or were not evaluated, and the functional significance of this variant is currently unknown. This variant has not been reported in the literature in individuals affected with PRPS1-related conditions. This variant is not present in population databases (gnomAD no frequency). This variant, c.758_760del, results in the deletion of 1 amino acid(s) of the PRPS1 protein (p.Phe253del), but otherwise preserves the integrity of the reading frame.

NM_002764.4(PRPS1):c.755TCT[1] (p.Phe253del)

Gene: PRPS1 (phosphoribosyl pyrophosphate synthetase 1; plus strand). Cytogenetic location: Xq22.3.
Variant type: Microsatellite.
Coding change: c.755TCT[1] on transcript NM_002764.4 (MANE Select); one copy of the 3-base unit TCT starting at c.755; the reference has two copies in a row; one copy, 3 bases deleted.
Protein change: p.Phe253del; deletes phenylalanine 253.
Molecular consequence: inframe deletion.
Genome position (GRCh38, 1-based): chrX:107,647,659-107,647,661, TCT deleted; deleting any 3 consecutive bases within chrX:107,647,656-107,647,661 gives the same sequence; the position shown is the placement nearest the transcript's 3' end. VCF-style (leftmost placement, unchanged base first): chrX-107647655-ATCT-A. GRCh37 (hg19) VCF-style: chrX-106890885-ATCT-A.
Other names: c.143TCT[1], p.Phe49del (NM_001204402.2); short protein forms F49del, F253del.
Identifiers: ClinVar variation 2006649 (VCV002006649.4), dbSNP rs2521349580, ClinGen allele CA2580612454.